The following is an entry in ClinVar:

ClinVar aggregate classification (germline): Likely pathogenic. Review status: criteria provided, multiple submitters, no conflicts (2 of 4 stars). 2 submissions from 2 submitters: Likely pathogenic (2). Last evaluated 2025-09-01.

Conditions:
Bartter disease type 2. Also called: Bartter syndrome, type 2, antenatal; HYPERPROSTAGLANDIN E SYNDROME 2; HYPOKALEMIC ALKALOSIS WITH HYPERCALCIURIA 2, ANTENATAL. Identifiers: Orphanet 112, Orphanet 620220, MedGen C1855849, MONDO:0009424, OMIM 241200.

gnomAD v4.1: 13 of 1,613,922 alleles (0.00081%); highest among the groups gnomAD compares: Non-Finnish European, 0.0011%; no homozygotes.

Submissions (2):

CeGaT Center for Human Genetics Tuebingen
Classification: Likely pathogenic. Last evaluated: 2025-09-01. Review status: criteria provided, single submitter. Criteria: CeGaT Center For Human Genetics Tuebingen Variant Classification Criteria Version 2. Collection method: clinical testing. Allele origin: germline. Affected: yes. Observed: 1 variant allele.
Comment: KCNJ1: PM2, PM3, PP4:Moderate

Fulgent Genetics
Classification: Likely pathogenic for Bartter disease type 2. Last evaluated: 2024-06-13. Review status: criteria provided, single submitter. Criteria: ACMG Guidelines, 2015. Collection method: clinical testing. Allele origin: germline.

NM_153766.3(KCNJ1):c.308T>A (p.Val103Glu)

Gene: KCNJ1 (potassium inwardly rectifying channel subfamily J member 1; minus strand). Cytogenetic location: 11q24.3.
Variant type: single nucleotide variant.
Coding change: c.308T>A on transcript NM_153766.3 (MANE Select); coding-DNA position 308, T replaced by A.
Protein change: p.Val103Glu; replaces valine 103 with glutamic acid.
Molecular consequence: missense variant.
Genome position (GRCh38, 1-based): chr11:128,839,936, A>T on the plus strand (T>A on the coding strand, the complement: KCNJ1 is on the minus strand). VCF-style: chr11-128839936-A-T. GRCh37 (hg19) VCF-style: chr11-128709831-A-T.
Other names: c.308T>A, p.Val103Glu (NM_153767.4, NM_153764.3); c.365T>A, p.Val122Glu (NM_000220.6); c.359T>A, p.Val120Glu (NM_153765.3); short protein forms V120E, V103E, V122E.
Identifiers: ClinVar variation 3599178 (VCV003599178.8).